The following is an entry in ClinVar:

NM_003480.4(MFAP5):c.83G>A (p.Ser28Asn)

Gene: MFAP5 (microfibril associated protein 5; minus strand). Cytogenetic location: 12p13.31.
Variant type: single nucleotide variant.
Coding change: c.83G>A on transcript NM_003480.4 (MANE Select); coding-DNA position 83, G replaced by A.
Protein change: p.Ser28Asn; replaces serine 28 with asparagine.
Molecular consequence: missense variant. On other transcripts: non-coding transcript variant (2), intron variant (1).
Genome position (GRCh38, 1-based): chr12:8,660,874, C>T on the plus strand (G>A on the coding strand, the complement: MFAP5 is on the minus strand). VCF-style: chr12-8660874-C-T. GRCh37 (hg19) VCF-style: chr12-8813470-C-T.
Other names: c.83G>A, p.Ser28Asn (NM_001297709.2, NM_001297711.2, NM_001297712.2); c.58+1173G>A (NM_001297710.2); short protein forms S28N.
Identifiers: ClinVar variation 5024442 (VCV005024442.1).

ClinVar aggregate classification (germline): Uncertain significance (1 of 4 stars; one submission).

Conditions:
Cardiovascular phenotype. Identifiers: MedGen CN230736.

Submission:

Ambry Genetics
Classification: Uncertain significance for Cardiovascular phenotype. Last evaluated: 2026-07-24. Review status: criteria provided, single submitter. Criteria: Ambry Variant Classification Scheme 2023. Collection method: clinical testing. Allele origin: germline.
Comment: The p.S28N variant (also known as c.83G>A), located in coding exon 2 of the MFAP5 gene, results from a G to A substitution at nucleotide position 83. The serine at codon 28 is replaced by asparagine, an amino acid with highly similar properties. This amino acid position is conserved. In addition, this alteration is predicted to be tolerated by in silico analysis. Based on the available evidence, the clinical significance of this variant remains unclear.